The following is an entry in ClinVar:

ClinVar aggregate classification (germline): Uncertain significance. Review status: criteria provided, multiple submitters, no conflicts (2 of 4 stars). 2 submissions from 2 submitters: Uncertain significance (2). Last evaluated 2023-07-11.

Conditions:
Inborn genetic diseases. Identifiers: MedGen C0950123, MeSH D030342.

Allele frequency attached by ClinVar (database versions not stated): gnomAD 0.00002; ExAC 0.00003; TOPMed 0.00003; gnomAD exomes 0.00006.
gnomAD v4.1: 40 of 1,613,486 alleles (0.0025%); highest among the groups gnomAD compares: East Asian, 0.08%; no homozygotes.

Submissions (2):

Ambry Genetics
Classification: Uncertain significance for Inborn genetic diseases. Last evaluated: 2023-07-11. Review status: criteria provided, single submitter. Criteria: Ambry Variant Classification Scheme 2023. Collection method: clinical testing. Allele origin: germline.

Labcorp Genetics (formerly Invitae), Labcorp
Classification: Uncertain significance. Last evaluated: 2022-08-08. Review status: criteria provided, single submitter. Criteria: Invitae Variant Classification Sherloc (09022015). Collection method: clinical testing. Allele origin: germline.
Comment: This sequence change replaces proline, which is neutral and non-polar, with serine, which is neutral and polar, at codon 2485 of the PCLO protein (p.Pro2485Ser). This variant is present in population databases (rs745992255, gnomAD 0.05%). This variant has not been reported in the literature in individuals affected with PCLO-related conditions. Algorithms developed to predict the effect of missense changes on protein structure and function are either unavailable or do not agree on the potential impact of this missense change (SIFT: "Deleterious"; PolyPhen-2: "Not Available"; Align-GVGD: "Class C0"). In summary, the available evidence is currently insufficient to determine the role of this variant in disease. Therefore, it has been classified as a Variant of Uncertain Significance.

NM_033026.6(PCLO):c.7453C>T (p.Pro2485Ser)

Gene: PCLO (piccolo presynaptic cytomatrix protein; minus strand). Cytogenetic location: 7q21.11.
Variant type: single nucleotide variant.
Coding change: c.7453C>T on transcript NM_033026.6 (MANE Select); coding-DNA position 7453, C replaced by T.
Protein change: p.Pro2485Ser; replaces proline 2485 with serine.
Molecular consequence: missense variant.
Genome position (GRCh38, 1-based): chr7:82,953,500, G>A on the plus strand (C>T on the coding strand, the complement: PCLO is on the minus strand). VCF-style: chr7-82953500-G-A. GRCh37 (hg19) VCF-style: chr7-82582816-G-A.
Other names: c.7453C>T, p.Pro2485Ser (NM_014510.3); c.7453C>T (NM_033026.5); short protein forms P2485S.
Identifiers: ClinVar variation 1956046 (VCV001956046.4), dbSNP rs745992255, ClinGen allele CA4320296.